The following is an entry in ClinVar:

NM_013451.4(MYOF):c.4482G>A (p.Leu1494=)

Gene: MYOF (myoferlin; minus strand). Cytogenetic location: 10q23.33.
Variant type: single nucleotide variant.
Coding change: c.4482G>A on transcript NM_013451.4 (MANE Select); coding-DNA position 4482, G replaced by A.
Protein change: p.Leu1494=; no amino-acid change (leucine 1494 retained).
Molecular consequence: synonymous variant.
Genome position (GRCh38, 1-based): chr10:93,336,002, C>T on the plus strand (G>A on the coding strand, the complement: MYOF is on the minus strand). VCF-style: chr10-93336002-C-T. GRCh37 (hg19) VCF-style: chr10-95095759-C-T.
Other names: c.4443G>A, p.Leu1481= (NM_133337.3).
Identifiers: ClinVar variation 3034965 (VCV003034965.2), dbSNP rs376304895, ClinGen allele CA5607024.

ClinVar aggregate classification (germline): Likely benign (0 of 4 stars; one submission).

Conditions:
MYOF-related disorder. Also called: MYOF-related condition.

Allele frequency attached by ClinVar (database versions not stated): ESP Exome Variant Server 0.00017; gnomAD exomes 0.00018; gnomAD 0.00023; TOPMed 0.00028; ExAC 0.00034.
gnomAD v4.1: 322 of 1,614,038 alleles (0.02%); highest among the groups gnomAD compares: Admixed American, 0.058%; no homozygotes.

Submission:

PreventionGenetics, part of Exact Sciences
Classification: Likely benign for MYOF-related condition. Last evaluated: 2020-01-28. Review status: no assertion criteria provided. Collection method: clinical testing. Allele origin: germline.
Comment: This variant is classified as likely benign based on ACMG/AMP sequence variant interpretation guidelines (Richards et al. 2015 PMID: 25741868, with internal and published modifications).